The following is an entry in ClinVar:

ClinVar aggregate classification (germline): Conflicting classifications of pathogenicity. Review status: criteria provided, conflicting classifications (1 of 4 stars). 2 submissions from 2 submitters: Uncertain significance (1); Likely benign (1). Last evaluated 2026-01-28.

Submissions (2):

Labcorp Genetics (formerly Invitae), Labcorp
Classification: Likely benign. Last evaluated: 2026-01-28. Review status: criteria provided, single submitter. Criteria: Invitae Variant Classification Sherloc (09022015). Collection method: clinical testing. Allele origin: germline.

CeGaT Center for Human Genetics Tuebingen
Classification: Uncertain significance. Last evaluated: 2025-11-01. Review status: criteria provided, single submitter. Criteria: CeGaT Center For Human Genetics Tuebingen Variant Classification Criteria Version 2. Collection method: clinical testing. Allele origin: germline. Affected: yes. Observed: 1 variant allele.
Comment: ANO10: PM2

NM_018075.5(ANO10):c.1294-3del

Gene: ANO10 (anoctamin 10; minus strand). Cytogenetic location: 3p22.1.
Variant type: Deletion.
Coding change: c.1294-3del on transcript NM_018075.5 (MANE Select); 3 bases into the intron before coding-DNA position 1294, one base deleted (T; older notation c.1294-3delT).
Molecular consequence: intron variant.
Genome position (GRCh38, 1-based): chr3:43,561,405, A deleted on the plus strand (T on the coding strand, the reverse complement: ANO10 is on the minus strand); the first of 3 consecutive A bases (chr3:43,561,405-43,561,407); deleting any one gives the same sequence. VCF-style (leftmost placement, unchanged base first): chr3-43561404-TA-T. GRCh37 (hg19) VCF-style: chr3-43602896-TA-T.
Other names: c.1096-3del (NM_001346469.2, NM_001204832.3, NM_001346466.2); c.1294-3del (NM_001346468.2, NM_001346465.2, NM_001204831.3 and 3 more transcripts); c.961-3del (NM_001204833.3); c.724-3del (NM_001204834.3).
Identifiers: ClinVar variation 345185 (VCV000345185.17), dbSNP rs778730043, ClinGen allele CA2340803.